The following is an entry in ClinVar:

ClinVar aggregate classification (germline): Conflicting classifications of pathogenicity. Review status: criteria provided, conflicting classifications (1 of 4 stars). 2 submissions from 2 submitters: Uncertain significance (1); Likely benign (1). Last evaluated 2026-03-11.

Conditions:
RYR1-related disorder. Also called: RYR1-related condition; RYR1-related disorders. Identifiers: MedGen CN239331.

Submissions (2):

Dasa
Classification: Uncertain significance. Last evaluated: 2026-03-11. Review status: criteria provided, single submitter. Criteria: DASA Assertion Criteria. Collection method: clinical testing. Allele origin: germline.
Comment: NM_000540.3(RYR1):c.1441-10C>T is a splice-region variant. This variant is rare in population databases. Computational prediction algorithms are consistent with a benign effect. The currently available literature and clinical evidence are not sufficient to establish a definitive association between this variant and the reported condition. Therefore, this variant is classified as a variant of uncertain significance.

Labcorp Genetics (formerly Invitae), Labcorp
Classification: Likely benign for RYR1-related disorder. Last evaluated: 2025-04-23. Review status: criteria provided, single submitter. Criteria: Invitae Variant Classification Sherloc (09022015). Collection method: clinical testing. Allele origin: germline.

NM_000540.3(RYR1):c.1441-10C>T

Genes: RYR1 (ryanodine receptor 1; plus strand), LOC129391106 (MPRA-validated peak3472 silencer; plus strand). Cytogenetic location: 19q13.2.
Variant type: single nucleotide variant.
Coding change: c.1441-10C>T on transcript NM_000540.3 (MANE Select); 10 bases into the intron before coding-DNA position 1441, C replaced by T.
Molecular consequence: intron variant.
Genome position (GRCh38, 1-based): chr19:38,455,225, C>T. VCF-style: chr19-38455225-C-T. GRCh37 (hg19) VCF-style: chr19-38945865-C-T.
Other names: c.1441-10C>T (NM_001042723.2).
Identifiers: ClinVar variation 4690458 (VCV004690458.3).